The following is an entry in ClinVar:

ClinVar aggregate classification (germline): Likely pathogenic (1 of 4 stars; one submission).

Conditions:
Congenital stationary night blindness 1B. Also called: NIGHT BLINDNESS, CONGENITAL STATIONARY, COMPLETE, AUTOSOMAL RECESSIVE; Night blindness, congenital stationary (complete), 1B, autosomal recessive. Identifiers: Orphanet 215, MedGen C1850362, MONDO:0009758, OMIM 257270.

Submission:

Juno Genomics, Hangzhou Juno Genomics, Inc
Classification: Likely pathogenic for Congenital stationary night blindness 1B. Review status: criteria provided, single submitter. Criteria: ACMG Guidelines, 2015. Collection method: clinical testing. Allele origin: germline.
Comment: Absent from controls (or at extremely low frequency if recessive) in Genome Aggregation Database.;Null variant in a gene where loss of function (LOF) is a known mechanism of disease.;For recessive disorders, detected in trans with a pathogenic variant.;Patient's phenotype or family history is highly specific for a disease with a single genetic etiology.

NM_000843.4(GRM6):c.2124+1G>A

Genes: GRM6 (glutamate metabotropic receptor 6; minus strand), ZNF454 (zinc finger protein 454; plus strand). Cytogenetic location: 5q35.3.
Variant type: single nucleotide variant.
Coding change: c.2124+1G>A on transcript NM_000843.4 (MANE Select); the canonical splice donor site of the intron after coding-DNA position 2124, G replaced by A.
Molecular consequence: splice donor variant.
Genome position (GRCh38, 1-based): chr5:178,986,129, C>T on the plus strand (G>A on the coding strand, the complement: GRM6 is on the minus strand). VCF-style: chr5-178986129-C-T. GRCh37 (hg19) VCF-style: chr5-178413130-C-T.
Identifiers: ClinVar variation 5007681 (VCV005007681.2).